The following is an entry in ClinVar:

ClinVar aggregate classification (germline): Likely benign. Review status: criteria provided, multiple submitters, no conflicts (2 of 4 stars). 2 submissions from 2 submitters: Likely benign (2). Last evaluated 2025-11-21.

Conditions:
Melanoma, cutaneous malignant, susceptibility to, 3. Also called: Cutaneous malignant melanoma 3. Identifiers: Orphanet 618, MedGen C1836892, MONDO:0012183, OMIM 609048.
Familial melanoma. Also called: Hereditary melanoma; Hereditary cutaneous melanoma. Identifiers: Orphanet 618, MedGen C1512419, MONDO:0018961.

Allele frequency attached by ClinVar (database versions not stated): TOPMed below 0.00001.

Submissions (2):

Labcorp Genetics (formerly Invitae), Labcorp
Classification: Likely benign for Familial melanoma. Last evaluated: 2025-11-21. Review status: criteria provided, single submitter. Criteria: Invitae Variant Classification Sherloc (09022015). Collection method: clinical testing. Allele origin: germline.

Myriad Genetics, Inc.
Classification: Likely benign for Melanoma, cutaneous malignant, susceptibility to, 3. Last evaluated: 2024-09-25. Review status: criteria provided, single submitter. Criteria: Myriad Autosomal Dominant, Autosomal Recessive and X-Linked Classification Criteria (2023). Collection method: clinical testing. Allele origin: unknown.
Comment: This variant is considered likely benign. This variant is intronic and is not expected to impact mRNA splicing.

NM_000075.4(CDK4):c.354+10G>A

Gene: CDK4 (cyclin dependent kinase 4; minus strand). Cytogenetic location: 12q14.1.
Variant type: single nucleotide variant.
Coding change: c.354+10G>A on transcript NM_000075.4 (MANE Select); 10 bases into the intron after coding-DNA position 354, G replaced by A.
Molecular consequence: intron variant.
Genome position (GRCh38, 1-based): chr12:57,751,197, C>T on the plus strand (G>A on the coding strand, the complement: CDK4 is on the minus strand). VCF-style: chr12-57751197-C-T. GRCh37 (hg19) VCF-style: chr12-58144980-C-T.
Identifiers: ClinVar variation 1569332 (VCV001569332.9), dbSNP rs1955232744, ClinGen allele CA2038996371.